The following is an entry in ClinVar:

ClinVar aggregate classification (germline): Conflicting classifications of pathogenicity. Review status: criteria provided, conflicting classifications (1 of 4 stars). 7 submissions from 7 submitters: Likely pathogenic (4); Uncertain significance (3). Last evaluated 2026-02-02.

Conditions:
Primary ciliary dyskinesia. Also called: Ciliary dyskinesia. Identifiers: Orphanet 244, MedGen C0008780, MONDO:0016575, HP:0012265.
Primary ciliary dyskinesia 3. Identifiers: Orphanet 244, MedGen C1837618, MONDO:0012085, OMIM 608644.

Allele frequency attached by ClinVar (database versions not stated): TOPMed 0.00003; ExAC 0.00004; gnomAD 0.00005; ESP Exome Variant Server 0.00015; 1000 Genomes Project 30x 0.00016; 1000 Genomes Project 0.00020.
gnomAD v4.1: 113 of 1,614,112 alleles (0.007%); highest among the groups gnomAD compares: South Asian, 0.013%; no homozygotes.

Submissions (7):

Myriad Genetics, Inc.
Classification: Uncertain significance for Primary ciliary dyskinesia 3. Last evaluated: 2026-02-02. Review status: criteria provided, single submitter. Criteria: Myriad Autosomal Dominant, Autosomal Recessive and X-Linked Classification Criteria (2023). Collection method: clinical testing. Allele origin: unknown.
Comment: NM_001369.2(DNAH5):c.10229C>T(T3410M) is a missense variant classified as a variant of uncertain significance in the context of primary ciliary dyskinesia, DNAH5-related. T3410M has been observed in a case with relevant disease (PMID: 31879361). Relevant functional assessments of this variant are not available in the literature. T3410M has been observed in referenced population frequency databases. In summary, there is insufficient evidence to classify NM_001369.2(DNAH5):c.10229C>T(T3410M) as pathogenic or benign. Please note: this variant was assessed in the context of healthy population screening.

Victorian Clinical Genetics Services, Murdoch Childrens Research Institute
Classification: Likely pathogenic for Primary ciliary dyskinesia 3. Last evaluated: 2025-07-31. Review status: criteria provided, single submitter. Criteria: ACMG Guidelines, 2015. Collection method: clinical testing. Allele origin: germline. Affected: no.
Comment: This variant is classified as Likely pathogenic. Evidence in support of pathogenic classification: Variant is present in gnomAD <0.01 for a recessive condition (v3: 113 heterozygote(s), 0 homozygote(s)); This variant has moderate previous evidence of pathogenicity in unrelated individuals. It has been classified as likely pathogenic by clinical laboratories (ClinVar) and has been reported in one compound heterozygous individual with primary ciliary dyskinesia (PMIDs: 31879361, 32996775); Missense variant predicted to be damaging by in silico tool(s) or highly conserved with a major amino acid change. Additional information: Variant is predicted to result in a missense amino acid change from Thr to Met; This variant is heterozygous; This gene is associated with autosomal recessive disease; Alternative amino acid change(s) at the same position are present in gnomAD (highest allele count: v4: 2 heterozygote(s), 0 homozygote(s)); No published functional evidence has been identified for this variant; No comparable missense variants have previous evidence for pathogenicity; Variant is located in the annotated microtubule-binding stalk of dynein motor domain (DECIPHER); Loss of function is a known mechanism of disease in this gene and is associated with primary ciliary dyskinesia 3, with or without situs inversus (MIM#608644).

Labcorp Genetics (formerly Invitae), Labcorp
Classification: Likely pathogenic for Primary ciliary dyskinesia. Last evaluated: 2025-07-27. Review status: criteria provided, single submitter. Criteria: Invitae Variant Classification Sherloc (09022015). Collection method: clinical testing. Allele origin: germline.
Comment: This sequence change replaces threonine, which is neutral and polar, with methionine, which is neutral and non-polar, at codon 3410 of the DNAH5 protein (p.Thr3410Met). This variant is present in population databases (rs186180802, gnomAD 0.009%). This missense change has been observed in individual(s) with clinical features of primary ciliary dyskinesia (PMID: 31879361; internal data). In at least one individual the data is consistent with being in trans (on the opposite chromosome) from a pathogenic variant. ClinVar contains an entry for this variant (Variation ID: 3013720). Invitae Evidence Modeling of protein sequence and biophysical properties (such as structural, functional, and spatial information, amino acid conservation, physicochemical variation, residue mobility, and thermodynamic stability) has been performed for this missense variant. However, the output from this modeling did not meet the statistical confidence thresholds required to predict the impact of this variant on DNAH5 protein function. In summary, the currently available evidence indicates that the variant is pathogenic, but additional data are needed to prove that conclusively. Therefore, this variant has been classified as Likely Pathogenic.

GeneDx
Classification: Uncertain significance. Last evaluated: 2025-06-04. Review status: criteria provided, single submitter. Criteria: GeneDx Variant Classification Process June 2021. Collection method: clinical testing. Allele origin: germline. Affected: yes.
Comment: In silico analysis supports that this missense variant has a deleterious effect on protein structure/function; This variant is associated with the following publications: (PMID: 32996775, 31879361)

Fulgent Genetics
Classification: Likely pathogenic for Primary ciliary dyskinesia 3. Last evaluated: 2024-06-05. Review status: criteria provided, single submitter. Criteria: ACMG Guidelines, 2015. Collection method: clinical testing. Allele origin: germline.

Blueprint Genetics
Classification: Uncertain significance. Last evaluated: 2023-10-05. Review status: criteria provided, single submitter. Criteria: ACMG Guidelines, 2015. Collection method: clinical testing. Allele origin: germline.

Kariminejad - Najmabadi Pathology & Genetics Center
Classification: Likely pathogenic for Primary ciliary dyskinesia 3. Review status: criteria provided, single submitter. Criteria: ACMG Guidelines, 2015. Collection method: clinical testing. Allele origin: germline. Affected: no.

Literature cited by the submitters: PubMed 31879361 (cited by 3 submitters); PubMed 32996775 (cited by Victorian Clinical Genetics Services, Murdoch Childrens Research Institute).

NM_001369.3(DNAH5):c.10229C>T (p.Thr3410Met)

Gene: DNAH5 (dynein axonemal heavy chain 5; minus strand). Cytogenetic location: 5p15.2.
Variant type: single nucleotide variant.
Coding change: c.10229C>T on transcript NM_001369.3 (MANE Select); coding-DNA position 10229, C replaced by T.
Protein change: p.Thr3410Met; replaces threonine 3410 with methionine.
Molecular consequence: missense variant.
Genome position (GRCh38, 1-based): chr5:13,762,774, G>A on the plus strand (C>T on the coding strand, the complement: DNAH5 is on the minus strand). VCF-style: chr5-13762774-G-A. GRCh37 (hg19) VCF-style: chr5-13762883-G-A.
Other names: c.10229C>T (NM_001369.2); short protein forms T3410M.
Identifiers: ClinVar variation 3013720 (VCV003013720.10), dbSNP rs186180802, ClinGen allele CA3202306.